The following is an entry in ClinVar:

ClinVar aggregate classification (germline): Likely benign (1 of 4 stars; one submission).

Submission:

CeGaT Center for Human Genetics Tuebingen
Classification: Likely benign. Last evaluated: 2026-01-01. Review status: criteria provided, single submitter. Criteria: CeGaT Center For Human Genetics Tuebingen Variant Classification Criteria Version 2. Collection method: clinical testing. Allele origin: germline. Affected: yes. Observed: 1 variant allele.
Comment: BMP8A: BP4, BP7

NM_181809.4(BMP8A):c.555G>A (p.Gln185=)

Gene: BMP8A (bone morphogenetic protein 8a; plus strand). Cytogenetic location: 1p34.3.
Variant type: single nucleotide variant.
Coding change: c.555G>A on transcript NM_181809.4 (MANE Select); coding-DNA position 555, G replaced by A.
Protein change: p.Gln185=; no amino-acid change (glutamine 185 retained).
Molecular consequence: synonymous variant.
Genome position (GRCh38, 1-based): chr1:39,511,786, G>A. VCF-style: chr1-39511786-G-A. GRCh37 (hg19) VCF-style: chr1-39977458-G-A.
Identifiers: ClinVar variation 4822231 (VCV004822231.4).